The following is an entry in ClinVar:

ClinVar aggregate classification (germline): Uncertain significance (1 of 4 stars; one submission).

Submission:

CeGaT Center for Human Genetics Tuebingen
Classification: Uncertain significance. Last evaluated: 2026-08-01. Review status: criteria provided, single submitter. Criteria: CeGaT Center For Human Genetics Tuebingen Variant Classification Criteria Version 2. Collection method: clinical testing. Allele origin: germline. Affected: yes. Observed: 1 variant allele.
Comment: LYST: PM2

NM_000081.4(LYST):c.2405A>G (p.Gln802Arg)

Gene: LYST (lysosomal trafficking regulator; minus strand). Cytogenetic location: 1q42.3.
Variant type: single nucleotide variant.
Coding change: c.2405A>G on transcript NM_000081.4 (MANE Select); coding-DNA position 2405, A replaced by G.
Protein change: p.Gln802Arg; replaces glutamine 802 with arginine.
Molecular consequence: missense variant.
Genome position (GRCh38, 1-based): chr1:235,806,731, T>C on the plus strand (A>G on the coding strand, the complement: LYST is on the minus strand). VCF-style: chr1-235806731-T-C. GRCh37 (hg19) VCF-style: chr1-235970031-T-C.
Other names: c.2405A>G, p.Gln802Arg (NM_001301365.1); short protein forms Q802R.
Identifiers: ClinVar variation 5039578 (VCV005039578.1).